The following is an entry in ClinVar:

ClinVar aggregate classification (germline): Conflicting classifications of pathogenicity. Review status: criteria provided, conflicting classifications (1 of 4 stars). 2 submissions from 2 submitters: Pathogenic (1); Uncertain significance (1). Last evaluated 2025-07-02.

Conditions:
Hereditary cancer-predisposing syndrome. Also called: Neoplastic Syndromes, Hereditary; Hereditary neoplastic syndrome; Hereditary Cancer Syndrome; Tumor predisposition. Identifiers: Orphanet 140162, MedGen C0027672, MeSH D009386, MONDO:0015356.

Submissions (2):

Ambry Genetics
Classification: Uncertain significance for Hereditary cancer-predisposing syndrome. Last evaluated: 2025-07-02. Review status: criteria provided, single submitter. Criteria: Ambry Variant Classification Scheme 2023. Collection method: clinical testing. Allele origin: germline.
Comment: The c.1458delC variant, located in coding exon 14 of the POLE gene, results from a deletion of one nucleotide at nucleotide position 1458, causing a translational frameshift with a predicted alternate stop codon (p.M487Wfs*19). This alteration is expected to result in loss of function by premature protein truncation or nonsense-mediated mRNA decay. Although biallelic loss of function of POLE has been associated with autosomal recessive POLE deficiency, haploinsufficiency of POLE has not been established as a mechanism of disease for POLE-related polymerase proofreading-associated polyposis (PPAP) and POLE-related CMMRD-like syndrome. Based on the supporting evidence, this variant is expected to be causative of POLE deficiency when present along with a second pathogenic variant on the other allele; however, its clinical significance for PPAP and POLE-related CMMRD-like syndrome is unclear.

Labcorp Genetics (formerly Invitae), Labcorp
Classification: Pathogenic. Last evaluated: 2024-08-21. Review status: criteria provided, single submitter. Criteria: Invitae Variant Classification Sherloc (09022015). Collection method: clinical testing. Allele origin: germline.
Comment: This sequence change creates a premature translational stop signal (p.Met487Trpfs*19) in the POLE gene. It is expected to result in an absent or disrupted protein product. Loss-of-function variants in POLE are known to be pathogenic (PMID: 23230001, 25948378, 30503519). This variant is not present in population databases (gnomAD no frequency). This variant has not been reported in the literature in individuals affected with POLE-related conditions. For these reasons, this variant has been classified as Pathogenic.

Literature cited by the submitters: PubMed 23230001 (cited by Labcorp Genetics (formerly Invitae), Labcorp); PubMed 25948378 (cited by Labcorp Genetics (formerly Invitae), Labcorp); PubMed 30503519 (cited by Labcorp Genetics (formerly Invitae), Labcorp).

NM_006231.4(POLE):c.1458del (p.Met487fs)

Gene: POLE (DNA polymerase epsilon, catalytic subunit; minus strand). Cytogenetic location: 12q24.33.
Variant type: Deletion.
Coding change: c.1458del on transcript NM_006231.4 (MANE Select); coding-DNA position 1458, one base deleted (C; older notation c.1458delC).
Protein change: p.Met487fs; shifts the reading frame from methionine 487.
Molecular consequence: frameshift variant.
Genome position (GRCh38, 1-based): chr12:132,673,179, G deleted on the plus strand (C on the coding strand, the reverse complement: POLE is on the minus strand); the first of 3 consecutive G bases (chr12:132,673,179-132,673,181); deleting any one gives the same sequence. VCF-style (leftmost placement, unchanged base first): chr12-132673178-TG-T. GRCh37 (hg19) VCF-style: chr12-133249764-TG-T.
Other names: c.1458delC (NM_006231.2); short protein forms M487fs.
Identifiers: ClinVar variation 2978451 (VCV002978451.4), dbSNP rs866329957, ClinGen allele CA246294094.
Genomic context (GRCh38, chr12:132,673,178, plus strand): 5'-CAAGGGCTGAGGAGGCCAGGGTGCCGACAGGACAGATAATGCTCACCTCGTCGGGCTCCA[TG>T]GGAATAATGGTGCACAGAGCAAAGATGAATGGGTGGACGTACTTCATGTACAGGTAGTAA-3'